The following is an entry in ClinVar:

ClinVar aggregate classification (germline): Pathogenic (1 of 4 stars; one submission).

Conditions:
Polycystic kidney disease 4 (PKD4). Also called: POLYCYSTIC KIDNEY AND HEPATIC DISEASE 1; POLYCYSTIC KIDNEY DISEASE, INFANTILE, TYPE I; POLYCYSTIC KIDNEY DISEASE 4 WITH OR WITHOUT POLYCYSTIC LIVER DISEASE; PKD3; Autosomal Recessive Polycystic Kidney Disease – PKHD1. Identifiers: MedGen C4540575, MONDO:0033004, OMIM 263200.

Submission:

Myriad Genetics, Inc.
Classification: Pathogenic for Polycystic kidney disease 4. Last evaluated: 2023-09-27. Review status: criteria provided, single submitter. Criteria: Myriad Autosomal Dominant, Autosomal Recessive and X-Linked Classification Criteria (2023). Collection method: clinical testing. Allele origin: unknown.
Comment: NM_138694.3(PKHD1):c.2540dupT(W848Vfs*20) is expected to be pathogenic in the context of autosomal recessive polycystic kidney disease, PKHD1-related. This variant is predicted to lead to an abnormal or absent protein product due to the creation of a premature termination codon in PKHD1, a gene where loss-of-function variants are known to be pathogenic. Please note: this variant was assessed in the context of healthy population screening.

NM_138694.4(PKHD1):c.2540dup (p.Trp848fs)

Gene: PKHD1 (PKHD1 ciliary IPT domain containing fibrocystin/polyductin; minus strand). Cytogenetic location: 6p12.2.
Variant type: Duplication.
Coding change: c.2540dup on transcript NM_138694.4 (MANE Select); coding-DNA position 2540, one base duplicated (T; older notation c.2540dupT).
Protein change: p.Trp848fs; shifts the reading frame from tryptophan 848.
Molecular consequence: frameshift variant.
Genome position (GRCh38, 1-based): chr6:52,046,056, A duplicated on the plus strand (T on the coding strand, the reverse complement: PKHD1 is on the minus strand). VCF-style (leftmost placement, unchanged base first): chr6-52046055-C-CA. GRCh37 (hg19) VCF-style: chr6-51910853-C-CA.
Other names: c.2540dup, p.Trp848fs (NM_170724.3); short protein forms W848fs.
Identifiers: ClinVar variation 5011919 (VCV005011919.1).